The following is an entry in ClinVar:

ClinVar aggregate classification (germline): Pathogenic. Review status: criteria provided, single submitter (1 of 4 stars). 2 submissions from 2 submitters: Pathogenic (1). 1 of the submissions does not count toward it. Last evaluated 2025-08-11.

Conditions:
Androgen resistance syndrome (AIS). Also called: Androgen insensitivity, complete; Androgen insensitivity syndrome; DHTR DEFICIENCY; ANDROGEN RECEPTOR DEFICIENCY; DIHYDROTESTOSTERONE RECEPTOR DEFICIENCY; TESTICULAR FEMINIZATION SYNDROME. Identifiers: Orphanet 754, Orphanet 99429, MedGen C0039585, MONDO:0019154, OMIM 300068. Disease mechanism: loss of function.
Kennedy disease (SMAX1). Also called: Spinal and Bulbar Muscular Atrophy; SPINAL AND BULBAR MUSCULAR ATROPHY, X-LINKED 1; KENNEDY SPINAL AND BULBAR MUSCULAR ATROPHY. Identifiers: Orphanet 481, MedGen C1839259, MONDO:0010735, OMIM 313200.

Submissions (2):

Labcorp Genetics (formerly Invitae), Labcorp
Classification: Pathogenic for Kennedy disease; Androgen resistance syndrome. Last evaluated: 2025-08-11. Review status: criteria provided, single submitter. Criteria: Invitae Variant Classification Sherloc (09022015). Collection method: clinical testing. Allele origin: germline.
Comment: This sequence change replaces aspartic acid, which is acidic and polar, with glycine, which is neutral and non-polar, at codon 605 of the AR protein (p.Asp605Gly). This variant is not present in population databases (gnomAD no frequency). This missense change has been observed in individual(s) with complete androgen insensitivity syndrome (PMID: 26778393). ClinVar contains an entry for this variant (Variation ID: 492784). Invitae Evidence Modeling of protein sequence and biophysical properties (such as structural, functional, and spatial information, amino acid conservation, physicochemical variation, residue mobility, and thermodynamic stability) indicates that this missense variant is expected to disrupt AR protein function with a positive predictive value of 95%. This variant disrupts the p.Asp605 amino acid residue in AR. Other variant(s) that disrupt this residue have been observed in individuals with AR-related conditions (PMID: 7981687, 27583472), which suggests that this may be a clinically significant amino acid residue. For these reasons, this variant has been classified as Pathogenic.

Clinical Molecular Genetics Laboratory, Johns Hopkins All Children's Hospital
Classification: Uncertain significance for Androgen resistance syndrome. Last evaluated: 2015-03-17. Review status: no assertion criteria provided. Collection method: clinical testing. Allele origin: germline. Affected: yes. Not counted in ClinVar's aggregate classification.

Literature cited by the submitters: PubMed 26778393 (cited by Labcorp Genetics (formerly Invitae), Labcorp); PubMed 7981687 (cited by Labcorp Genetics (formerly Invitae), Labcorp); PubMed 27583472 (cited by Labcorp Genetics (formerly Invitae), Labcorp).

NM_000044.6(AR):c.1814A>G (p.Asp605Gly)

Gene: AR (androgen receptor; plus strand). Cytogenetic location: Xq12.
Variant type: single nucleotide variant.
Coding change: c.1814A>G on transcript NM_000044.6 (MANE Select); coding-DNA position 1814, A replaced by G.
Protein change: p.Asp605Gly; replaces aspartic acid 605 with glycine.
Molecular consequence: missense variant. On other transcripts: 3 prime UTR variant (1).
Genome position (GRCh38, 1-based): chrX:67,686,055, A>G. VCF-style: chrX-67686055-A-G. GRCh37 (hg19) VCF-style: chrX-66905897-A-G.
Other names: c.218A>G, p.Asp73Gly (NM_001011645.3); c.1814A>G, p.Asp605Gly (NM_001348061.1, NM_001348063.1); c.*12A>G (NM_001348064.1); short protein forms D605G, D73G.
Identifiers: ClinVar variation 492784 (VCV000492784.5), dbSNP rs1555990478, ClinGen allele CA413429231.